The following is an entry in ClinVar:

NM_005263.5(GFI1):c.53C>A (p.Pro18Gln)

Gene: GFI1 (growth factor independent 1 transcriptional repressor; minus strand). Cytogenetic location: 1p22.1.
Variant type: single nucleotide variant.
Coding change: c.53C>A on transcript NM_005263.5 (MANE Select); coding-DNA position 53, C replaced by A.
Protein change: p.Pro18Gln; replaces proline 18 with glutamine.
Molecular consequence: missense variant.
Genome position (GRCh38, 1-based): chr1:92,483,435, G>T on the plus strand (C>A on the coding strand, the complement: GFI1 is on the minus strand). VCF-style: chr1-92483435-G-T. GRCh37 (hg19) VCF-style: chr1-92948992-G-T.
Other names: c.53C>A, p.Pro18Gln (NM_001127215.3, NM_001127216.3); short protein forms P18Q.
Identifiers: ClinVar variation 3853712 (VCV003853712.1).

ClinVar aggregate classification (germline): Uncertain significance (1 of 4 stars; one submission).

Submission:

Ambry Genetics
Classification: Uncertain significance. Last evaluated: 2025-02-04. Review status: criteria provided, single submitter. Criteria: Ambry Variant Classification Scheme 2023. Collection method: clinical testing. Allele origin: germline.
Comment: The p.P18Q variant (also known as c.53C>A), located in coding exon 1 of the GFI1 gene, results from a C to A substitution at nucleotide position 53. The proline at codon 18 is replaced by glutamine, an amino acid with similar properties. This amino acid position is conserved. In addition, this alteration is predicted to be tolerated by in silico analysis. Based on the available evidence, the clinical significance of this variant remains unclear.